The following is an entry in ClinVar:

NM_004522.3(KIF5C):c.819+15C>T

Gene: KIF5C (kinesin family member 5C; plus strand). Cytogenetic location: 2q23.1.
Variant type: single nucleotide variant.
Coding change: c.819+15C>T on transcript NM_004522.3 (MANE Select); 15 bases into the intron after coding-DNA position 819, C replaced by T.
Molecular consequence: intron variant.
Genome position (GRCh38, 1-based): chr2:148,949,958, C>T. VCF-style: chr2-148949958-C-T. GRCh37 (hg19) VCF-style: chr2-149806472-C-T.
Identifiers: ClinVar variation 385842 (VCV000385842.1), dbSNP rs77745747, ClinGen allele CA1901319.

ClinVar aggregate classification (germline): Benign (1 of 4 stars; one submission).

Allele frequency attached by ClinVar (database versions not stated): gnomAD exomes 0.00152 and 0.00363; ExAC 0.00542; ESP Exome Variant Server 0.01483; gnomAD 0.01515 and 0.01629; TOPMed 0.01753; 1000 Genomes Project 0.01857; 1000 Genomes Project 30x 0.01968.
gnomAD v4.1: 4,608 of 1,609,678 alleles (0.29%); highest among the groups gnomAD compares: African/African-American, 5.6%; 136 homozygotes.

Submission:

GeneDx
Classification: Benign. Last evaluated: 2016-07-28. Review status: criteria provided, single submitter. Criteria: GeneDx Variant Classification (06012015). Collection method: clinical testing. Allele origin: germline. Affected: yes.
Comment: This variant is considered likely benign or benign based on one or more of the following criteria: it is a conservative change, it occurs at a poorly conserved position in the protein, it is predicted to be benign by multiple in silico algorithms, and/or has population frequency not consistent with disease.